The following is an entry in ClinVar:

ClinVar aggregate classification (germline): Uncertain significance. Review status: criteria provided, multiple submitters, no conflicts (2 of 4 stars). 2 submissions from 2 submitters: Uncertain significance (2). Last evaluated 2025-04-09.

gnomAD v4.1: 32 of 1,613,664 alleles (0.002%); highest among the groups gnomAD compares: African/African-American, 0.017%; no homozygotes.

Submissions (2):

Ambry Genetics
Classification: Uncertain significance. Last evaluated: 2025-04-09. Review status: criteria provided, single submitter. Criteria: Ambry Variant Classification Scheme 2023. Collection method: clinical testing. Allele origin: germline.

Labcorp Genetics (formerly Invitae), Labcorp
Classification: Uncertain significance. Last evaluated: 2025-02-16. Review status: criteria provided, single submitter. Criteria: Invitae Variant Classification Sherloc (09022015). Collection method: clinical testing. Allele origin: germline.
Comment: This sequence change replaces arginine, which is basic and polar, with glutamine, which is neutral and polar, at codon 270 of the CLPX protein (p.Arg270Gln). This variant is present in population databases (rs145543919, gnomAD 0.02%). This variant has not been reported in the literature in individuals affected with CLPX-related conditions. Invitae Evidence Modeling of protein sequence and biophysical properties (such as structural, functional, and spatial information, amino acid conservation, physicochemical variation, residue mobility, and thermodynamic stability) indicates that this missense variant is not expected to disrupt CLPX protein function with a negative predictive value of 80%. In summary, the available evidence is currently insufficient to determine the role of this variant in disease. Therefore, it has been classified as a Variant of Uncertain Significance.

NM_006660.5(CLPX):c.809G>A (p.Arg270Gln)

Gene: CLPX (caseinolytic mitochondrial matrix peptidase chaperone subunit X; minus strand). Cytogenetic location: 15q22.31.
Variant type: single nucleotide variant.
Coding change: c.809G>A on transcript NM_006660.5 (MANE Select); coding-DNA position 809, G replaced by A.
Protein change: p.Arg270Gln; replaces arginine 270 with glutamine.
Molecular consequence: missense variant.
Genome position (GRCh38, 1-based): chr15:65,158,658, C>T on the plus strand (G>A on the coding strand, the complement: CLPX is on the minus strand). VCF-style: chr15-65158658-C-T. GRCh37 (hg19) VCF-style: chr15-65450996-C-T.
Other names: short protein forms R270Q.
Identifiers: ClinVar variation 4003829 (VCV004003829.2).